The following is an entry in ClinVar:

NM_001384140.1(PCDH15):c.1931A>C (p.Glu644Ala)

Gene: PCDH15 (protocadherin related 15; minus strand). Cytogenetic location: 10q21.1.
Variant type: single nucleotide variant.
Coding change: c.1931A>C on transcript NM_001384140.1 (MANE Select); coding-DNA position 1931, A replaced by C.
Protein change: p.Glu644Ala; replaces glutamic acid 644 with alanine.
Molecular consequence: missense variant. On other transcripts: intron variant (1).
Genome position (GRCh38, 1-based): chr10:54,090,050, T>G on the plus strand (A>C on the coding strand, the complement: PCDH15 is on the minus strand). VCF-style: chr10-54090050-T-G. GRCh37 (hg19) VCF-style: chr10-55849810-T-G.
Other names: c.1931A>C, p.Glu644Ala (NM_001142764.2, NM_001142766.2, NM_001142770.3 and 5 more transcripts); c.1820A>C, p.Glu607Ala (NM_001142767.2); c.1865A>C, p.Glu622Ala (NM_001142768.2, NM_001142773.2, NM_001354404.2); c.1967A>C, p.Glu656Ala (NM_001142769.4); c.1946A>C, p.Glu649Ala (NM_001142771.2, NM_001142763.2); c.1952A>C, p.Glu651Ala (NM_001354411.2); c.1785-10626A>C (NM_001142765.2); short protein forms E607A, E622A, E644A, E649A, E651A, E656A.
Identifiers: ClinVar variation 1003499 (VCV001003499.8), dbSNP rs2094574219, ClinGen allele CA376523134.
Genomic context (GRCh38, chr10:54,090,050, plus strand): 5'-GAAAGATTAAAAACTCTCTGAGGATCTCCATTCTCAATGGCATATGTTATTGAGTCTCCC[T>G]CTCGATCAGTTGCCTTCAGAGAGAAAACATAATTCAATTATCAAGTAATTGATATGGCGC-3'
Protein context (NP_001371069.1, residues 634-654): VLLNLQATDR[Glu644Ala]GDSITYAIEN

ClinVar aggregate classification (germline): Uncertain significance (1 of 4 stars; one submission).

Submission:

Labcorp Genetics (formerly Invitae), Labcorp
Classification: Uncertain significance. Last evaluated: 2023-10-03. Review status: criteria provided, single submitter. Criteria: Invitae Variant Classification Sherloc (09022015). Collection method: clinical testing. Allele origin: germline.
Comment: This sequence change replaces glutamic acid, which is acidic and polar, with alanine, which is neutral and non-polar, at codon 644 of the PCDH15 protein (p.Glu644Ala). This variant is not present in population databases (gnomAD no frequency). This variant has not been reported in the literature in individuals affected with PCDH15-related conditions. ClinVar contains an entry for this variant (Variation ID: 1003499). Advanced modeling of protein sequence and biophysical properties (such as structural, functional, and spatial information, amino acid conservation, physicochemical variation, residue mobility, and thermodynamic stability) performed at Invitae indicates that this missense variant is expected to disrupt PCDH15 protein function. In summary, the available evidence is currently insufficient to determine the role of this variant in disease. Therefore, it has been classified as a Variant of Uncertain Significance.